The following is an entry in ClinVar:

ClinVar aggregate classification (germline): Uncertain significance. Review status: criteria provided, multiple submitters, no conflicts (2 of 4 stars). 4 submissions from 4 submitters: Uncertain significance (4). Last evaluated 2025-10-11.

Conditions:
Inborn genetic diseases. Identifiers: MedGen C0950123, MeSH D030342.

Allele frequency attached by ClinVar (database versions not stated): ExAC 0.00001; gnomAD exomes 0.00001; gnomAD 0.00003 and 0.00004; TOPMed 0.00005.
gnomAD v4.1: 76 of 1,613,428 alleles (0.0047%); highest among the groups gnomAD compares: Non-Finnish European, 0.0064%; no homozygotes.

Submissions (4):

Labcorp Genetics (formerly Invitae), Labcorp
Classification: Uncertain significance. Last evaluated: 2025-10-11. Review status: criteria provided, single submitter. Criteria: Invitae Variant Classification Sherloc (09022015). Collection method: clinical testing. Allele origin: germline.
Comment: This sequence change replaces serine, which is neutral and polar, with phenylalanine, which is neutral and non-polar, at codon 919 of the SAMD9 protein (p.Ser919Phe). This variant is present in population databases (rs748338739, gnomAD 0.003%). This variant has not been reported in the literature in individuals affected with SAMD9-related conditions. ClinVar contains an entry for this variant (Variation ID: 1338386). Invitae Evidence Modeling of protein sequence and biophysical properties (such as structural, functional, and spatial information, amino acid conservation, physicochemical variation, residue mobility, and thermodynamic stability) has been performed for this missense variant. However, the output from this modeling did not meet the statistical confidence thresholds required to predict the impact of this variant on SAMD9 protein function. In summary, the available evidence is currently insufficient to determine the role of this variant in disease. Therefore, it has been classified as a Variant of Uncertain Significance.

Ambry Genetics
Classification: Uncertain significance for Inborn genetic diseases. Last evaluated: 2024-11-18. Review status: criteria provided, single submitter. Criteria: Ambry Variant Classification Scheme 2023. Collection method: clinical testing. Allele origin: germline.
Comment: The p.S919F variant (also known as c.2756C>T), located in coding exon 1 of the SAMD9 gene, results from a C to T substitution at nucleotide position 2756. The serine at codon 919 is replaced by phenylalanine, an amino acid with highly dissimilar properties. This amino acid position is conserved. In addition, this alteration is predicted to be tolerated by in silico analysis. Based on the available evidence, the clinical significance of this variant remains unclear.

GeneDx
Classification: Uncertain significance. Last evaluated: 2024-01-08. Review status: criteria provided, single submitter. Criteria: GeneDx Variant Classification Process June 2021. Collection method: clinical testing. Allele origin: germline. Affected: yes.
Comment: Not observed at significant frequency in large population cohorts (gnomAD); In silico analysis supports that this missense variant has a deleterious effect on protein structure/function; Has not been previously published as pathogenic or benign to our knowledge; This variant is associated with the following publications: (PMID: 28545555)

Genetic Services Laboratory, University of Chicago
Classification: Uncertain significance. Last evaluated: 2018-04-05. Review status: criteria provided, single submitter. Criteria: ACMG Guidelines, 2015. Collection method: clinical testing. Allele origin: germline. Affected: no.

NM_017654.4(SAMD9):c.2756C>T (p.Ser919Phe)

Gene: SAMD9 (sterile alpha motif domain containing 9; minus strand). Cytogenetic location: 7q21.2.
Variant type: single nucleotide variant.
Coding change: c.2756C>T on transcript NM_017654.4 (MANE Select); coding-DNA position 2756, C replaced by T.
Protein change: p.Ser919Phe; replaces serine 919 with phenylalanine.
Molecular consequence: missense variant.
Genome position (GRCh38, 1-based): chr7:93,103,342, G>A on the plus strand (C>T on the coding strand, the complement: SAMD9 is on the minus strand). VCF-style: chr7-93103342-G-A. GRCh37 (hg19) VCF-style: chr7-92732655-G-A.
Other names: c.2756C>T, p.Ser919Phe (NM_001193307.2); short protein forms S919F.
Identifiers: ClinVar variation 1338386 (VCV001338386.11), dbSNP rs748338739, ClinGen allele CA4342785.